The following is an entry in ClinVar:

NM_006269.2(RP1):c.1083TGA[1] (p.Asp362del)

Gene: RP1 (RP1 axonemal microtubule associated; plus strand). Cytogenetic location: 8q12.1.
Variant type: Microsatellite.
Coding change: c.1083TGA[1] on transcript NM_006269.2 (MANE Select); one copy of the 3-base unit TGA starting at c.1083; the reference has two copies in a row; one copy, 3 bases deleted.
Protein change: p.Asp362del; deletes aspartic acid 362.
Molecular consequence: inframe deletion. On other transcripts: intron variant (1).
Genome position (GRCh38, 1-based): chr8:54,624,968-54,624,970, TGA deleted; deleting any 3 consecutive bases within chr8:54,624,964-54,624,970 gives the same sequence; the position shown is the placement nearest the transcript's 3' end. VCF-style (leftmost placement, unchanged base first): chr8-54624963-AATG-A. GRCh37 (hg19) VCF-style: chr8-55537523-AATG-A.
Other names: c.787+2680_787+2682del (NM_001375654.1); short protein forms D362del.
Identifiers: ClinVar variation 1419146 (VCV001419146.7), dbSNP rs772687396, ClinGen allele CA4751316.

ClinVar aggregate classification (germline): Uncertain significance. Review status: criteria provided, multiple submitters, no conflicts (2 of 4 stars). 2 submissions from 2 submitters: Uncertain significance (2). Last evaluated 2022-03-10.

Submissions (2):

Blueprint Genetics
Classification: Uncertain significance. Last evaluated: 2022-03-10. Review status: criteria provided, single submitter. Criteria: ACMG Guidelines, 2015. Collection method: clinical testing. Allele origin: germline.

Labcorp Genetics (formerly Invitae), Labcorp
Classification: Uncertain significance. Last evaluated: 2022-03-09. Review status: criteria provided, single submitter. Criteria: Invitae Variant Classification Sherloc (09022015). Collection method: clinical testing. Allele origin: germline.
Comment: In summary, the available evidence is currently insufficient to determine the role of this variant in disease. Therefore, it has been classified as a Variant of Uncertain Significance. Experimental studies and prediction algorithms are not available or were not evaluated, and the functional significance of this variant is currently unknown. This variant has not been reported in the literature in individuals affected with RP1-related conditions. This variant is present in population databases (rs772687396, gnomAD 0.0009%). This variant, c.1086_1088del, results in the deletion of 1 amino acid(s) of the RP1 protein (p.Asp362del), but otherwise preserves the integrity of the reading frame.